The following is an entry in ClinVar:

NM_198503.5(KCNT2):c.11T>G (p.Leu4Trp)

Gene: KCNT2 (potassium sodium-activated channel subfamily T member 2; minus strand). Cytogenetic location: 1q31.3.
Variant type: single nucleotide variant.
Coding change: c.11T>G on transcript NM_198503.5 (MANE Select); coding-DNA position 11, T replaced by G.
Protein change: p.Leu4Trp; replaces leucine 4 with tryptophan.
Molecular consequence: missense variant. On other transcripts: non-coding transcript variant (2).
Genome position (GRCh38, 1-based): chr1:196,608,299, A>C on the plus strand (T>G on the coding strand, the complement: KCNT2 is on the minus strand). VCF-style: chr1-196608299-A-C. GRCh37 (hg19) VCF-style: chr1-196577429-A-C.
Other names: c.11T>G, p.Leu4Trp (NM_001287819.3, NM_001287820.3); short protein forms L4W.
Identifiers: ClinVar variation 3242063 (VCV003242063.1), dbSNP rs2529205861.

ClinVar aggregate classification (germline): Uncertain significance (1 of 4 stars; one submission).

Conditions:
Developmental and epileptic encephalopathy, 57. Also called: EPILEPTIC ENCEPHALOPATHY, EARLY INFANTILE, 57. Identifiers: MedGen C4540411, MONDO:0033366, OMIM 617771.

Submission:

Neuberg Centre For Genomic Medicine, NCGM
Classification: Uncertain significance for Developmental and epileptic encephalopathy, 57. Review status: criteria provided, single submitter. Criteria: ACMG Guidelines, 2015. Collection method: clinical testing. Allele origin: germline. Inheritance: Autosomal dominant inheritance. Affected: yes.
Comment: The missense c.11T>G (p.Leu4Trp) variant in KCNT2 gene has not been previously reported as a pathogenic variant nor as a benign variant, to our knowledge. The p.Leu4Trp variant is absent in gnomAD Exomes. This variant has not been submitted to the ClinVar database. The amino acid change p.Leu4Trp in KCNT2 is predicted as conserved by GERP++ and PhyloP across 100 vertebrates. The amino acid Leu at position 4 is changed to a Trp changing protein sequence and it might alter its composition and physico-chemical properties. For these reasons, this variant has been classified as Variant of Uncertain Significance (VUS).